The following is an entry in ClinVar:

ClinVar aggregate classification (germline): Likely benign. Review status: criteria provided, multiple submitters, no conflicts (2 of 4 stars). 6 submissions from 6 submitters: Likely benign (4). 2 of the submissions do not count toward it. Last evaluated 2026-01-28.

Conditions:
Joubert syndrome 16 (JBTS16). Identifiers: Orphanet 2318, MedGen C3280906, MONDO:0013764, OMIM 614465.

Allele frequency attached by ClinVar (database versions not stated): gnomAD exomes 0.00044 and 0.00074; TOPMed 0.00046; ExAC 0.00047; gnomAD 0.00055 and 0.00056; ESP Exome Variant Server 0.00062.
gnomAD v4.1: 1,164 of 1,614,084 alleles (0.072%); highest among the groups gnomAD compares: Non-Finnish European, 0.091%; 2 homozygotes.

Submissions (6):

Labcorp Genetics (formerly Invitae), Labcorp
Classification: Likely benign for Joubert syndrome 16. Last evaluated: 2026-01-28. Review status: criteria provided, single submitter. Criteria: Invitae Variant Classification Sherloc (09022015). Collection method: clinical testing. Allele origin: germline.

CeGaT Center for Human Genetics Tuebingen
Classification: Likely benign. Last evaluated: 2025-09-01. Review status: criteria provided, single submitter. Criteria: CeGaT Center For Human Genetics Tuebingen Variant Classification Criteria Version 2. Collection method: clinical testing. Allele origin: germline. Affected: yes. Observed: 5 variant alleles.
Comment: TMEM138: BP4, BP7

Mayo Clinic Laboratories, Mayo Clinic
Classification: Likely benign. Last evaluated: 2025-06-22. Review status: criteria provided, single submitter. Criteria: ACMG Guidelines, 2015. Collection method: clinical testing. Allele origin: germline. Observed: 1 variant allele.
Comment: BP4, BP7

Blueprint Genetics
Classification: Likely benign. Last evaluated: 2024-10-14. Review status: criteria provided, single submitter. Criteria: ACMG Guidelines, 2015. Collection method: clinical testing. Allele origin: germline.

Clinical Genetics DNA and cytogenetics Diagnostics Lab, Erasmus MC, Erasmus Medical Center
Classification: Likely benign. Review status: no assertion criteria provided. Collection method: clinical testing. Allele origin: germline. Affected: yes. Study: VKGL Data-share Consensus. Not counted in ClinVar's aggregate classification.

Genome Diagnostics Laboratory, University Medical Center Utrecht
Classification: Likely benign. Review status: no assertion criteria provided. Collection method: clinical testing. Allele origin: germline. Affected: yes. Study: VKGL Data-share Consensus. Not counted in ClinVar's aggregate classification.

NM_016464.5(TMEM138):c.102T>A (p.Thr34=)

Gene: TMEM138 (transmembrane protein 138; plus strand). Cytogenetic location: 11q12.2.
Variant type: single nucleotide variant.
Coding change: c.102T>A on transcript NM_016464.5 (MANE Select); coding-DNA position 102, T replaced by A.
Protein change: p.Thr34=; no amino-acid change (threonine 34 retained).
Molecular consequence: synonymous variant. On other transcripts: non-coding transcript variant (1), intron variant (1).
Genome position (GRCh38, 1-based): chr11:61,364,492, T>A. VCF-style: chr11-61364492-T-A. GRCh37 (hg19) VCF-style: chr11-61131964-T-A.
Other names: p.Thr34=; c.-47+177T>A (NM_001330281.2).
Identifiers: ClinVar variation 767006 (VCV000767006.38), dbSNP rs139387935, ClinGen allele CA6034519.